The following is an entry in ClinVar:

ClinVar aggregate classification (germline): Uncertain significance. Review status: criteria provided, multiple submitters, no conflicts (2 of 4 stars). 6 submissions from 6 submitters: Uncertain significance (3). 3 of the submissions do not count toward it. Last evaluated 2024-10-21.

Conditions:
Cardiovascular phenotype. Identifiers: MedGen CN230736.
Myofibrillar myopathy 5. Also called: Filaminopathy (type); FILAMINOPATHY, AUTOSOMAL DOMINANT. Identifiers: Orphanet 171445, MedGen C1836050, MONDO:0012289, OMIM 609524.
Distal myopathy with posterior leg and anterior hand involvement. Also called: WILLIAMS DISTAL MYOPATHY. Identifiers: Orphanet 63273, MedGen C3279722, MONDO:0013550, OMIM 614065.
Hypertrophic cardiomyopathy 26. Also called: Cardiomyopathy, familial hypertrophic, 26. Identifiers: Orphanet 75249, MedGen C4310749, MONDO:0014883, OMIM 617047.
Dilated Cardiomyopathy, Dominant.

Submissions (6):

Ambry Genetics
Classification: Uncertain significance for Cardiovascular phenotype. Last evaluated: 2024-10-21. Review status: criteria provided, single submitter. Criteria: Ambry Variant Classification Scheme 2023. Collection method: clinical testing. Allele origin: germline.
Comment: The p.R2239L variant (also known as c.6716G>T), located in coding exon 40 of the FLNC gene, results from a G to T substitution at nucleotide position 6716. The arginine at codon 2239 is replaced by leucine, an amino acid with dissimilar properties. This amino acid position is conserved. In addition, the in silico prediction for this alteration is inconclusive. Based on the available evidence, the clinical significance of this variant remains unclear.

Labcorp Genetics (formerly Invitae), Labcorp
Classification: Uncertain significance for Distal myopathy with posterior leg and anterior hand involvement; Myofibrillar myopathy 5; Hypertrophic cardiomyopathy 26. Last evaluated: 2024-10-01. Review status: criteria provided, single submitter. Criteria: Invitae Variant Classification Sherloc (09022015). Collection method: clinical testing. Allele origin: germline.
Comment: This sequence change replaces arginine, which is basic and polar, with leucine, which is neutral and non-polar, at codon 2239 of the FLNC protein (p.Arg2239Leu). The frequency data for this variant in the population databases is considered unreliable, as metrics indicate poor data quality at this position in the gnomAD database. This variant has not been reported in the literature in individuals affected with FLNC-related conditions. ClinVar contains an entry for this variant (Variation ID: 1284570). An algorithm developed to predict the effect of missense changes on protein structure and function (PolyPhen-2) suggests that this variant¬¨‚Ä†is likely to be tolerated. In summary, the available evidence is currently insufficient to determine the role of this variant in disease. Therefore, it has been classified as a Variant of Uncertain Significance.

Fulgent Genetics
Classification: Uncertain significance for Myofibrillar myopathy 5; Distal myopathy with posterior leg and anterior hand involvement; Hypertrophic cardiomyopathy 26. Last evaluated: 2021-12-04. Review status: criteria provided, single submitter. Criteria: ACMG Guidelines, 2015. Collection method: clinical testing. Allele origin: unknown.

Clinical Genetics DNA and cytogenetics Diagnostics Lab, Erasmus MC, Erasmus Medical Center
Classification: Uncertain significance. Review status: no assertion criteria provided. Collection method: clinical testing. Allele origin: germline. Affected: yes. Study: VKGL Data-share Consensus. Not counted in ClinVar's aggregate classification.

Clinical Genetics, Academic Medical Center
Classification: Uncertain significance. Review status: no assertion criteria provided. Collection method: clinical testing. Allele origin: germline. Affected: yes. Study: VKGL Data-share Consensus. Not counted in ClinVar's aggregate classification.

Genome Diagnostics Laboratory, University Medical Center Utrecht
Classification: Uncertain significance. Review status: no assertion criteria provided. Collection method: clinical testing. Allele origin: germline. Affected: yes. Study: VKGL Data-share Consensus. Not counted in ClinVar's aggregate classification.

NM_001458.5(FLNC):c.6716G>T (p.Arg2239Leu)

Genes: FLNC-AS1 (FLNC antisense RNA 1; minus strand), FLNC (filamin C; plus strand). Cytogenetic location: 7q32.1.
Variant type: single nucleotide variant.
Coding change: c.6716G>T on transcript NM_001458.5 (MANE Select); coding-DNA position 6716, G replaced by T.
Protein change: p.Arg2239Leu; replaces arginine 2239 with leucine.
Molecular consequence: missense variant.
Genome position (GRCh38, 1-based): chr7:128,854,205, G>T. VCF-style: chr7-128854205-G-T. GRCh37 (hg19) VCF-style: chr7-128494259-G-T.
Other names: c.6617G>T, p.Arg2206Leu (NM_001127487.2); c.6716G>T (NM_001458.4); short protein forms R2206L, R2239L.
Identifiers: ClinVar variation 1284570 (VCV001284570.9), dbSNP rs1350832784, ClinGen allele CA369213286.